The following is an entry in ClinVar:

ClinVar aggregate classification (germline): other (0 of 4 stars; one submission).

Conditions:
Familial colorectal cancer. Identifiers: MedGen CN280943, MONDO:0023113. Disease mechanism: loss of function.

Allele frequency attached by ClinVar (database versions not stated): gnomAD 0.38642 and 0.39962; TOPMed 0.40254; 1000 Genomes Project 30x 0.42958.
gnomAD v4.1: 60,882 of 151,890 alleles (40%); highest among the groups gnomAD compares: East Asian, 66%; 14,689 homozygotes.

Submission:

Systems Biology Platform Zhejiang California International NanoSystems Institute
Classification: other for Familial colorectal cancer. Review status: no assertion criteria provided. Collection method: not provided. Allele origin: unknown.
ClinVar note: Converted during submission from cancer to other.

NM_000038.6(APC):c.-18-1288T>C

Gene: APC (APC regulator of WNT signaling pathway; plus strand). Cytogenetic location: 5q22.2.
Variant type: single nucleotide variant.
Coding change: c.-18-1288T>C on transcript NM_000038.6 (MANE Select); 1288 bases into the intron before 18 bases upstream of the start codon, T replaced by C.
Molecular consequence: intron variant.
Genome position (GRCh38, 1-based): chr5:112,753,585, T>C. VCF-style: chr5-112753585-T-C. GRCh37 (hg19) VCF-style: chr5-112089282-T-C.
Other names: c.-18-1288T>C (NM_001354895.2, NM_001127510.3, NM_001354896.2 and 2 more transcripts); c.166-12741T>C (NM_001354897.2, NM_001354902.2, NM_001127511.3); c.61-12741T>C (NM_001354898.2, NM_001354904.2); c.-1053-1288T>C (NM_001354906.2); c.-42-12741T>C (NM_001354900.2, NM_001354901.2, NM_001354905.2).
Identifiers: ClinVar variation 82809 (VCV000082809.2), dbSNP rs11241183, ClinGen allele CA006004.